The following is an entry in ClinVar:

NM_001613.4(ACTA2):c.1112T>A (p.Ile371Asn)

Genes: ACTA2-AS1 (ACTA2 antisense RNA 1; plus strand), ACTA2 (actin alpha 2, smooth muscle; minus strand). Cytogenetic location: 10q23.31.
Variant type: single nucleotide variant.
Coding change: c.1112T>A on transcript NM_001613.4 (MANE Select); coding-DNA position 1112, T replaced by A.
Protein change: p.Ile371Asn; replaces isoleucine 371 with asparagine.
Molecular consequence: missense variant. On other transcripts: non-coding transcript variant (1).
Genome position (GRCh38, 1-based): chr10:88,935,245, A>T on the plus strand (T>A on the coding strand, the complement: ACTA2 is on the minus strand). VCF-style: chr10-88935245-A-T. GRCh37 (hg19) VCF-style: chr10-90695002-A-T.
Other names: c.1112T>A, p.Ile371Asn (NM_001141945.3, NM_001320855.2, NM_001406462.1 and 2 more transcripts); c.1001T>A, p.Ile334Asn (NM_001406466.1); c.983T>A, p.Ile328Asn (NM_001406467.1, NM_001406468.1, NM_001406469.1); c.920T>A, p.Ile307Asn (NM_001406471.1); short protein forms I371N, I307N, I328N, I334N.
Identifiers: ClinVar variation 935538 (VCV000935538.13), dbSNP rs778887472, ClinGen allele CA377510365.

ClinVar aggregate classification (germline): Uncertain significance. Review status: criteria provided, multiple submitters, no conflicts (2 of 4 stars). 3 submissions from 3 submitters: Uncertain significance (3). Last evaluated 2023-12-22.

Conditions:
Aortic aneurysm, familial thoracic 6 (AAT6). Also called: FAMILIAL THORACIC AORTIC ANEURYSM WITH LIVEDO RETICULARIS AND IRIS FLOCCULI. Identifiers: MedGen C2673186, MONDO:0012730, OMIM 611788.

Submissions (3):

Labcorp Genetics (formerly Invitae), Labcorp
Classification: Uncertain significance for Aortic aneurysm, familial thoracic 6. Last evaluated: 2023-12-22. Review status: criteria provided, single submitter. Criteria: Invitae Variant Classification Sherloc (09022015). Collection method: clinical testing. Allele origin: germline.
Comment: This sequence change replaces isoleucine, which is neutral and non-polar, with asparagine, which is neutral and polar, at codon 371 of the ACTA2 protein (p.Ile371Asn). This variant is not present in population databases (gnomAD no frequency). This variant has not been reported in the literature in individuals affected with ACTA2-related conditions. ClinVar contains an entry for this variant (Variation ID: 935538). Advanced modeling of protein sequence and biophysical properties (such as structural, functional, and spatial information, amino acid conservation, physicochemical variation, residue mobility, and thermodynamic stability) performed at Invitae indicates that this missense variant is expected to disrupt ACTA2 protein function with a positive predictive value of 80%. In summary, the available evidence is currently insufficient to determine the role of this variant in disease. Therefore, it has been classified as a Variant of Uncertain Significance.

AiLife Diagnostics
Classification: Uncertain significance. Last evaluated: 2022-02-21. Review status: criteria provided, single submitter. Criteria: ACMG Guidelines, 2015. Collection method: clinical testing. Allele origin: germline. Affected: yes. Observed: 1 variant allele.

GeneDx
Classification: Uncertain significance. Last evaluated: 2021-09-15. Review status: criteria provided, single submitter. Criteria: GeneDx Variant Classification Process June 2021. Collection method: clinical testing. Allele origin: germline. Affected: yes.
Comment: Has not been previously published as pathogenic or benign to our knowledge; Not observed at significant frequency in large population cohorts (gnomAD); In silico analysis supports that this missense variant has a deleterious effect on protein structure/function